The following is an entry in ClinVar:

ClinVar aggregate classification (germline): Uncertain significance (1 of 4 stars; one submission).

Allele frequency attached by ClinVar (database versions not stated): ExAC 0.00001; TOPMed 0.00001.
gnomAD v4.1: 17 of 1,613,958 alleles (0.0011%); highest among the groups gnomAD compares: East Asian, 0.0089%; no homozygotes.

Submission:

Labcorp Genetics (formerly Invitae), Labcorp
Classification: Uncertain significance. Last evaluated: 2022-09-01. Review status: criteria provided, single submitter. Criteria: Invitae Variant Classification Sherloc (09022015). Collection method: clinical testing. Allele origin: germline.
Comment: In summary, the available evidence is currently insufficient to determine the role of this variant in disease. Therefore, it has been classified as a Variant of Uncertain Significance. Advanced modeling of protein sequence and biophysical properties (such as structural, functional, and spatial information, amino acid conservation, physicochemical variation, residue mobility, and thermodynamic stability) performed at Invitae indicates that this missense variant is not expected to disrupt CACNA1B protein function. This variant has not been reported in the literature in individuals affected with CACNA1B-related conditions. This variant is present in population databases (rs748415240, gnomAD 0.006%). This sequence change replaces isoleucine, which is neutral and non-polar, with valine, which is neutral and non-polar, at codon 1124 of the CACNA1B protein (p.Ile1124Val).

NM_000718.4(CACNA1B):c.3370A>G (p.Ile1124Val)

Genes: CACNA1B (calcium voltage-gated channel subunit alpha1 B; plus strand), LOC101928786 (uncharacterized LOC101928786; minus strand). Cytogenetic location: 9q34.3.
Variant type: single nucleotide variant.
Coding change: c.3370A>G on transcript NM_000718.4 (MANE Select); coding-DNA position 3370, A replaced by G.
Protein change: p.Ile1124Val; replaces isoleucine 1124 with valine.
Molecular consequence: missense variant.
Genome position (GRCh38, 1-based): chr9:138,043,857, A>G. VCF-style: chr9-138043857-A-G. GRCh37 (hg19) VCF-style: chr9-140938309-A-G.
Other names: c.3370A>G, p.Ile1124Val (NM_001243812.2); short protein forms I1124V.
Identifiers: ClinVar variation 2414723 (VCV002414723.4), dbSNP rs748415240, ClinGen allele CA5376636.